The following is an entry in ClinVar:

NM_001382.4(DPAGT1):c.1201C>T (p.Leu401Phe)

Gene: DPAGT1 (dolichyl-phosphate N-acetylglucosaminephosphotransferase 1; minus strand). Cytogenetic location: 11q23.3.
Variant type: single nucleotide variant.
Coding change: c.1201C>T on transcript NM_001382.4 (MANE Select); coding-DNA position 1201, C replaced by T.
Protein change: p.Leu401Phe; replaces leucine 401 with phenylalanine.
Molecular consequence: missense variant.
Genome position (GRCh38, 1-based): chr11:119,097,024, G>A on the plus strand (C>T on the coding strand, the complement: DPAGT1 is on the minus strand). VCF-style: chr11-119097024-G-A. GRCh37 (hg19) VCF-style: chr11-118967734-G-A.
Other names: short protein forms L401F.
Identifiers: ClinVar variation 652219 (VCV000652219.11), dbSNP rs150532554, ClinGen allele CA6314421.
Genomic context (GRCh38, chr11:119,097,024, plus strand): 5'-GAGACTGTGAGGTAAAGGACAATGATCAAGGGACTCAGACATCATAGAAGAGTCGAACGA[G>A]CTGATATCGAATGGAGAAGGTGATGGCACTGCCCAGGATCTGCAAGGAGAAATGGACTGG-3'
Protein context (NP_001373.2, residues 391-408): SAITFSIRYQ[Leu401Phe]VRLFYDV

ClinVar aggregate classification (germline): Uncertain significance. Review status: criteria provided, multiple submitters, no conflicts (2 of 4 stars). 3 submissions from 3 submitters: Uncertain significance (3). Last evaluated 2024-12-12.

Conditions:
Inborn genetic diseases. Identifiers: MedGen C0950123, MeSH D030342.
DPAGT1-congenital disorder of glycosylation. Also called: CONGENITAL DISORDER OF GLYCOSYLATION, TYPE Ij; CDG Ij; DPAGT1-CDG. Identifiers: Orphanet 86309, MedGen C2931004, MONDO:0011964, OMIM 608093.
Congenital myasthenic syndrome 13 (CMS13). Also called: Myasthenic syndrome, congenital, with tubular aggregates 2; Myasthenic syndrome, congenital, 13, with tubular aggregates. Identifiers: Orphanet 353327, Orphanet 590, MedGen C3553645, MONDO:0013883, OMIM 614750.

Allele frequency attached by ClinVar (database versions not stated): gnomAD exomes 0.00001 and 0.00003; ExAC 0.00005; TOPMed 0.00014; gnomAD 0.00016 and 0.00018; ESP Exome Variant Server 0.00031.
gnomAD v4.1: 39 of 1,614,088 alleles (0.0024%); highest among the groups gnomAD compares: African/African-American, 0.047%; no homozygotes.

Submissions (3):

Labcorp Genetics (formerly Invitae), Labcorp
Classification: Uncertain significance for Congenital myasthenic syndrome 13; DPAGT1-congenital disorder of glycosylation. Last evaluated: 2024-12-12. Review status: criteria provided, single submitter. Criteria: Invitae Variant Classification Sherloc (09022015). Collection method: clinical testing. Allele origin: germline.
Comment: This sequence change replaces leucine, which is neutral and non-polar, with phenylalanine, which is neutral and non-polar, at codon 401 of the DPAGT1 protein (p.Leu401Phe). This variant is present in population databases (rs150532554, gnomAD 0.05%). This variant has not been reported in the literature in individuals affected with DPAGT1-related conditions. ClinVar contains an entry for this variant (Variation ID: 652219). Invitae Evidence Modeling of protein sequence and biophysical properties (such as structural, functional, and spatial information, amino acid conservation, physicochemical variation, residue mobility, and thermodynamic stability) indicates that this missense variant is not expected to disrupt DPAGT1 protein function with a negative predictive value of 80%. In summary, the available evidence is currently insufficient to determine the role of this variant in disease. Therefore, it has been classified as a Variant of Uncertain Significance.

Ambry Genetics
Classification: Uncertain significance for Inborn genetic diseases. Last evaluated: 2022-02-26. Review status: criteria provided, single submitter. Criteria: Ambry Variant Classification Scheme 2023. Collection method: clinical testing. Allele origin: germline.

GeneDx
Classification: Uncertain significance. Last evaluated: 2021-09-27. Review status: criteria provided, single submitter. Criteria: GeneDx Variant Classification Process June 2021. Collection method: clinical testing. Allele origin: germline. Affected: yes.
Comment: Missense variants in this gene are often considered pathogenic (Stenson et al., 2014); In silico analysis supports that this missense variant does not alter protein structure/function; Has not been previously published as pathogenic or benign to our knowledge